The following is an entry in ClinVar:

ClinVar aggregate classification (germline): Uncertain significance (1 of 4 stars; one submission).

Conditions:
Cardiovascular phenotype. Identifiers: MedGen CN230736.

Submission:

Ambry Genetics
Classification: Uncertain significance for Cardiovascular phenotype. Last evaluated: 2021-11-04. Review status: criteria provided, single submitter. Criteria: Ambry Variant Classification Scheme 2023. Collection method: clinical testing. Allele origin: germline.
Comment: The p.L197P variant (also known as c.590T>C), located in coding exon 5 of the ABCG8 gene, results from a T to C substitution at nucleotide position 590. The leucine at codon 197 is replaced by proline, an amino acid with similar properties. This amino acid position is conserved. In addition, this alteration is predicted to be deleterious by in silico analysis. Since supporting evidence is limited at this time, the clinical significance of this alteration remains unclear.

NM_022437.3(ABCG8):c.590T>C (p.Leu197Pro)

Gene: ABCG8 (ATP binding cassette subfamily G member 8; plus strand). Cytogenetic location: 2p21.
Variant type: single nucleotide variant.
Coding change: c.590T>C on transcript NM_022437.3 (MANE Select); coding-DNA position 590, T replaced by C.
Protein change: p.Leu197Pro; replaces leucine 197 with proline.
Molecular consequence: missense variant.
Genome position (GRCh38, 1-based): chr2:43,852,382, T>C. VCF-style: chr2-43852382-T-C. GRCh37 (hg19) VCF-style: chr2-44079521-T-C.
Other names: c.590T>C, p.Leu197Pro (NM_001357321.2); short protein forms L197P.
Identifiers: ClinVar variation 1750447 (VCV001750447.2), dbSNP rs2466201692, ClinGen allele CA346665974.